The following is an entry in ClinVar:

NM_001267550.2(TTN):c.107325_107328delinsAATT (p.Ala35776Ile)

Genes: TTN-AS1 (TTN antisense RNA 1; plus strand), TTN (titin; minus strand). Cytogenetic location: 2q31.2.
Variant type: Indel.
Coding change: c.107325_107328delinsAATT on transcript NM_001267550.2 (MANE Select); coding-DNA positions 107325 to 107328, GGCC replaced by AATT.
Protein change: p.Ala35776Ile; replaces alanine 35776 with isoleucine.
Molecular consequence: missense variant.
Genome position (GRCh38, 1-based): chr2:178,528,323-178,528,326, GGCC replaced by AATT on the plus strand (GGCC replaced by AATT on the coding strand, the reverse complement: TTN is on the minus strand). VCF-style: chr2-178528323-GGCC-AATT. GRCh37 (hg19) VCF-style: chr2-179393050-GGCC-AATT.
Other names: c.102402_102405delinsAATT, p.Ala34135Ile (NM_001256850.1); c.80130_80133delinsAATT, p.Ala26711Ile (NM_003319.4); c.99621_99624delinsAATT, p.Ala33208Ile (NM_133378.4); c.80505_80508delinsAATT, p.Ala26836Ile (NM_133432.3); c.80706_80709delinsAATT, p.Ala26903Ile (NM_133437.4); short protein forms A26711I, A26836I, A26903I, A33208I, A34135I, A35776I.
Identifiers: ClinVar variation 3763706 (VCV003763706.2).

ClinVar aggregate classification (germline): Uncertain significance (1 of 4 stars; one submission).

Conditions:
Autosomal recessive limb-girdle muscular dystrophy type 2J (LGMDR10). Also called: Limb-girdle muscular dystrophy, type 2J; MUSCULAR DYSTROPHY, LIMB-GIRDLE, AUTOSOMAL RECESSIVE 10. Identifiers: Orphanet 140922, MedGen C1837342, MONDO:0012127, OMIM 608807.
Dilated cardiomyopathy 1G (CMD1G). Identifiers: Orphanet 154, MedGen C1858763, MONDO:0011400, OMIM 604145.

Submission:

Labcorp Genetics (formerly Invitae), Labcorp
Classification: Uncertain significance for Dilated cardiomyopathy 1G; Autosomal recessive limb-girdle muscular dystrophy type 2J. Last evaluated: 2024-09-11. Review status: criteria provided, single submitter. Criteria: Invitae Variant Classification Sherloc (09022015). Collection method: clinical testing. Allele origin: germline.
Comment: This sequence change replaces alanine, which is neutral and non-polar, with isoleucine, which is neutral and non-polar, at codon 35776 of the TTN protein (p.Ala35776Ile). Information on the frequency of this variant in the gnomAD database is not available, as this variant may be reported differently in the database. This variant has not been reported in the literature in individuals affected with TTN-related conditions. Experimental studies and prediction algorithms are not available or were not evaluated, and the functional significance of this variant is currently unknown. This variant is located in the M band of TTN (PMID: 25589632). Non-truncating variants in this region may be relevant for neuromuscular disorders, but have not been definitively shown to cause cardiomyopathy (PMID: 23975875). In summary, the available evidence is currently insufficient to determine the role of this variant in disease. Therefore, it has been classified as a Variant of Uncertain Significance.

Literature cited by the submitters: PubMed 25589632; PubMed 23975875.